The following is an entry in ClinVar:

ClinVar aggregate classification (germline): Uncertain significance (1 of 4 stars; one submission).

Conditions:
Hereditary spastic paraplegia 53. Also called: Spastic paraplegia 53, autosomal recessive. Identifiers: Orphanet 319199, MedGen C3539494, MONDO:0013962, OMIM 614898.

Allele frequency attached by ClinVar (database versions not stated): gnomAD exomes below 0.00001.
gnomAD v4.1: 4 of 1,614,090 alleles (0.00025%); highest among the groups gnomAD compares: Non-Finnish European, 0.00034%; no homozygotes.

Submission:

Labcorp Genetics (formerly Invitae), Labcorp
Classification: Uncertain significance for Hereditary spastic paraplegia 53. Last evaluated: 2019-01-27. Review status: criteria provided, single submitter. Criteria: Invitae Variant Classification Sherloc (09022015). Collection method: clinical testing. Allele origin: germline.
Comment: In summary, the available evidence is currently insufficient to determine the role of this variant in disease. Therefore, it has been classified as a Variant of Uncertain Significance. Algorithms developed to predict the effect of missense changes on protein structure and function (SIFT, PolyPhen-2, Align-GVGD) all suggest that this variant is likely to be tolerated, but these predictions have not been confirmed by published functional studies and their clinical significance is uncertain. This variant has not been reported in the literature in individuals with VPS37A-related conditions. This variant is not present in population databases (ExAC no frequency). This sequence change replaces threonine with proline at codon 178 of the VPS37A protein (p.Thr178Pro). The threonine residue is moderately conserved and there is a small physicochemical difference between threonine and proline.

NM_152415.3(VPS37A):c.532A>C (p.Thr178Pro)

Gene: VPS37A (VPS37A subunit of ESCRT-I; plus strand). Cytogenetic location: 8p22.
Variant type: single nucleotide variant.
Coding change: c.532A>C on transcript NM_152415.3 (MANE Select); coding-DNA position 532, A replaced by C.
Protein change: p.Thr178Pro; replaces threonine 178 with proline.
Molecular consequence: missense variant.
Genome position (GRCh38, 1-based): chr8:17,274,848, A>C. VCF-style: chr8-17274848-A-C. GRCh37 (hg19) VCF-style: chr8-17132357-A-C.
Other names: c.457A>C, p.Thr153Pro (NM_001145152.2); c.532A>C, p.Thr178Pro (NM_001363167.1, NM_001363173.2); c.262A>C, p.Thr88Pro (NM_001363168.1, NM_001363169.1, NM_001363170.1 and 2 more transcripts); short protein forms T178P, T88P, T153P.
Identifiers: ClinVar variation 859167 (VCV000859167.6), dbSNP rs1814361607, ClinGen allele CA370401355.